The following is an entry in ClinVar:

ClinVar aggregate classification (germline): Conflicting classifications of pathogenicity. Review status: criteria provided, conflicting classifications (1 of 4 stars). 2 submissions from 2 submitters: Uncertain significance (1); Likely benign (1). Last evaluated 2025-07-30.

Conditions:
ARL6-related disorder. Also called: ARL6-related condition.
Bardet-Biedl syndrome 3 (BBS3). Identifiers: Orphanet 110, MedGen C1859564, MONDO:0010832, OMIM 600151.
Retinitis pigmentosa 55 (RP55). Identifiers: Orphanet 791, MedGen C3150808, MONDO:0013312, OMIM 613575.

Submissions (2):

Labcorp Genetics (formerly Invitae), Labcorp
Classification: Likely benign for Retinitis pigmentosa 55; Bardet-Biedl syndrome 3. Last evaluated: 2025-07-30. Review status: criteria provided, single submitter. Criteria: Invitae Variant Classification Sherloc (09022015). Collection method: clinical testing. Allele origin: germline.

PreventionGenetics, part of Exact Sciences
Classification: Uncertain significance for ARL6-related condition. Last evaluated: 2025-01-15. Review status: criteria provided, single submitter. Criteria: ACMG Guidelines, 2015. Collection method: clinical testing. Allele origin: germline.
Comment: The ARL6 c.556C>A variant is predicted to result in the amino acid substitution p.Pro186Thr. To our knowledge, this variant has not been reported in the literature. This variant is reported in 0.0062% of alleles in individuals of African descent in gnomAD. At this time, the clinical significance of this variant is uncertain due to the absence of conclusive functional and genetic evidence.

NM_001278293.3(ARL6):c.543C>A (p.Ile181=)

Gene: ARL6 (ARF like GTPase 6; plus strand). Cytogenetic location: 3q11.2.
Variant type: single nucleotide variant.
Coding change: c.543C>A on transcript NM_001278293.3 (MANE Select); coding-DNA position 543, C replaced by A.
Protein change: p.Ile181=; no amino-acid change (isoleucine 181 retained).
Molecular consequence: synonymous variant. On other transcripts: non-coding transcript variant (7), missense variant (1), 3 prime UTR variant (1).
Genome position (GRCh38, 1-based): chr3:97,798,031, C>A. VCF-style: chr3-97798031-C-A. GRCh37 (hg19) VCF-style: chr3-97516875-C-A.
Other names: c.556C>A (NM_001323513.1); c.556C>A, p.Pro186Thr (NM_001323513.2); c.*7C>A (NM_001323514.2); c.543C>A, p.Ile181= (NM_032146.5, NM_177976.3); short protein forms P186T.
Identifiers: ClinVar variation 4782801 (VCV004782801.2).
Genomic context (GRCh38, chr3:97,798,031, plus strand): 5'-AATAGATTTTGCCCTATAGAGATTGATAATTTTTGTTTGTTTTTTGTTATCAGATCAGAT[C>A]CAGACTGTGAAGACATGAAAAGATAATAGTTGGAAACCTCAGCAATTTTCAATTCAAGGA-3'
Protein context (NP_001265222.1, residues 171-186): QEGVDWLQDQ[Ile181=]QTVKT